The following is an entry in ClinVar:

NM_022168.4(IFIH1):c.2941T>C (p.Cys981Arg)

Gene: IFIH1 (interferon induced with helicase C domain 1; minus strand). Cytogenetic location: 2q24.2.
Variant type: single nucleotide variant.
Coding change: c.2941T>C on transcript NM_022168.4 (MANE Select); coding-DNA position 2941, T replaced by C.
Protein change: p.Cys981Arg; replaces cysteine 981 with arginine.
Molecular consequence: missense variant.
Genome position (GRCh38, 1-based): chr2:162,267,337, A>G on the plus strand (T>C on the coding strand, the complement: IFIH1 is on the minus strand). VCF-style: chr2-162267337-A-G. GRCh37 (hg19) VCF-style: chr2-163123847-A-G.
Other names: short protein forms C981R.
Identifiers: ClinVar variation 3758990 (VCV003758990.9).

ClinVar aggregate classification (germline): Uncertain significance. Review status: criteria provided, multiple submitters, no conflicts (2 of 4 stars). 2 submissions from 2 submitters: Uncertain significance (2). Last evaluated 2025-03-01.

Conditions:
Aicardi-Goutieres syndrome 7 (AGS7). Identifiers: Orphanet 51, MedGen C3888244, MONDO:0014367, OMIM 615846.
Singleton-Merten syndrome 1 (SGMRT1). Also called: Widened medullary cavities of bone, aortic calcification, abnormal dentition, and muscular weakness; Syndrome of widened medullary cavities of the metacarpals and phalanges, aortic calcification and abnormal dentition. Identifiers: Orphanet 85191, MedGen C4225427, MONDO:0024535, OMIM 182250.

gnomAD v4.1: 6 of 1,612,880 alleles (0.00037%); highest among the groups gnomAD compares: Non-Finnish European, 0.00051%; no homozygotes.

Submissions (2):

CeGaT Center for Human Genetics Tuebingen
Classification: Uncertain significance. Last evaluated: 2025-03-01. Review status: criteria provided, single submitter. Criteria: CeGaT Center For Human Genetics Tuebingen Variant Classification Criteria Version 2. Collection method: clinical testing. Allele origin: germline. Affected: yes. Observed: 1 variant allele.

Labcorp Genetics (formerly Invitae), Labcorp
Classification: Uncertain significance for Aicardi-Goutieres syndrome 7; Singleton-Merten syndrome 1. Last evaluated: 2025-01-13. Review status: criteria provided, single submitter. Criteria: Invitae Variant Classification Sherloc (09022015). Collection method: clinical testing. Allele origin: germline.
Comment: This sequence change replaces cysteine, which is neutral and slightly polar, with arginine, which is basic and polar, at codon 981 of the IFIH1 protein (p.Cys981Arg). This variant is not present in population databases (gnomAD no frequency). This variant has not been reported in the literature in individuals affected with IFIH1-related conditions. Invitae Evidence Modeling of protein sequence and biophysical properties (such as structural, functional, and spatial information, amino acid conservation, physicochemical variation, residue mobility, and thermodynamic stability) has been performed for this missense variant. However, the output from this modeling did not meet the statistical confidence thresholds required to predict the impact of this variant on IFIH1 protein function. Algorithms developed to predict the effect of sequence changes on RNA splicing suggest that this variant may create or strengthen a splice site. In summary, the available evidence is currently insufficient to determine the role of this variant in disease. Therefore, it has been classified as a Variant of Uncertain Significance.